The following is an entry in ClinVar:

ClinVar aggregate classification (germline): Uncertain significance (1 of 4 stars; one submission).

Allele frequency attached by ClinVar (database versions not stated): gnomAD exomes below 0.00001.
gnomAD v4.1: 4 of 1,335,112 alleles (0.0003%); highest among the groups gnomAD compares: Non-Finnish European, 0.00038%; no homozygotes.

Submission:

Labcorp Genetics (formerly Invitae), Labcorp
Classification: Uncertain significance. Last evaluated: 2022-03-19. Review status: criteria provided, single submitter. Criteria: Invitae Variant Classification Sherloc (09022015). Collection method: clinical testing. Allele origin: germline.
Comment: This sequence change replaces glycine, which is neutral and non-polar, with arginine, which is basic and polar, at codon 9 of the HMX1 protein (p.Gly9Arg). This variant has not been reported in the literature in individuals affected with HMX1-related conditions. This variant is not present in population databases (gnomAD no frequency). Algorithms developed to predict the effect of missense changes on protein structure and function are either unavailable or do not agree on the potential impact of this missense change (SIFT: "Tolerated"; PolyPhen-2: "Not Available"; Align-GVGD: "Class C0"). In summary, the available evidence is currently insufficient to determine the role of this variant in disease. Therefore, it has been classified as a Variant of Uncertain Significance.

NM_018942.3(HMX1):c.25G>A (p.Gly9Arg)

Gene: HMX1 (H6 family homeobox 1; minus strand). Cytogenetic location: 4p16.1.
Variant type: single nucleotide variant.
Coding change: c.25G>A on transcript NM_018942.3 (MANE Select); coding-DNA position 25, G replaced by A.
Protein change: p.Gly9Arg; replaces glycine 9 with arginine.
Molecular consequence: missense variant.
Genome position (GRCh38, 1-based): chr4:8,871,590, C>T on the plus strand (G>A on the coding strand, the complement: HMX1 is on the minus strand). VCF-style: chr4-8871590-C-T. GRCh37 (hg19) VCF-style: chr4-8873316-C-T.
Other names: c.25G>A, p.Gly9Arg (NM_001306142.2); short protein forms G9R.
Identifiers: ClinVar variation 1916462 (VCV001916462.5), dbSNP rs1722227845, ClinGen allele CA356279548.